The following is an entry in ClinVar:

ClinVar aggregate classification (germline): Conflicting classifications of pathogenicity. Review status: criteria provided, conflicting classifications (1 of 4 stars). 7 submissions from 7 submitters: Uncertain significance (1); Benign (1); Likely benign (4). 1 of the submissions does not count toward it. Last evaluated 2026-02-01.

Conditions:
Early-infantile DEE. Also called: Ohtahara syndrome; Early infantile epileptic encephalopathy with suppression bursts; Early infantile epileptic encephalopathy. Identifiers: Orphanet 1934, MedGen C0393706, MONDO:0800491.
Inborn genetic diseases. Identifiers: MedGen C0950123, MeSH D030342.
KCNQ2-Related Disorders. Also called: KCNQ2-related disorder; KCNQ2-related condition. Identifiers: MedGen CN169299.

Allele frequency attached by ClinVar (database versions not stated): ExAC 0.00010; gnomAD exomes 0.00010; ESP Exome Variant Server 0.00015; gnomAD 0.00034 and 0.00037; TOPMed 0.00038; 1000 Genomes Project 0.00040; 1000 Genomes Project 30x 0.00047.
gnomAD v4.1: 119 of 1,613,868 alleles (0.0074%); highest among the groups gnomAD compares: African/African-American, 0.11%; no homozygotes.

Submissions (7):

CeGaT Center for Human Genetics Tuebingen
Classification: Likely benign. Last evaluated: 2026-02-01. Review status: criteria provided, single submitter. Criteria: CeGaT Center For Human Genetics Tuebingen Variant Classification Criteria Version 2. Collection method: clinical testing. Allele origin: germline. Affected: yes. Observed: 1 variant allele.
Comment: KCNQ2: BP4, BP7

Labcorp Genetics (formerly Invitae), Labcorp
Classification: Likely benign for Early-infantile DEE. Last evaluated: 2025-12-30. Review status: criteria provided, single submitter. Criteria: Invitae Variant Classification Sherloc (09022015). Collection method: clinical testing. Allele origin: germline.

Blueprint Genetics
Classification: Likely benign. Last evaluated: 2024-10-03. Review status: criteria provided, single submitter. Criteria: ACMG Guidelines, 2015. Collection method: clinical testing. Allele origin: germline.

Ambry Genetics
Classification: Likely benign for Inborn genetic diseases. Last evaluated: 2018-01-26. Review status: criteria provided, single submitter. Criteria: Ambry Variant Classification Scheme 2023. Collection method: clinical testing. Allele origin: germline.

GeneDx
Classification: Benign. Last evaluated: 2015-03-03. Review status: criteria provided, single submitter. Criteria: GeneDx Variant Classification Process June 2021. Collection method: clinical testing. Allele origin: germline. Affected: yes.

Genetic Services Laboratory, University of Chicago
Classification: Uncertain significance. Last evaluated: 2013-04-15. Review status: criteria provided, single submitter. Criteria: ACMG Guidelines, 2007. Collection method: clinical testing. Allele origin: germline. Inheritance: Autosomal dominant inheritance.

PreventionGenetics, part of Exact Sciences
Classification: Likely benign for KCNQ2-related condition. Last evaluated: 2022-05-20. Review status: no assertion criteria provided. Collection method: clinical testing. Allele origin: germline. Not counted in ClinVar's aggregate classification.
Comment: This variant is classified as likely benign based on ACMG/AMP sequence variant interpretation guidelines (Richards et al. 2015 PMID: 25741868, with internal and published modifications).

NM_172107.4(KCNQ2):c.795G>A (p.Ala265=)

Gene: KCNQ2 (potassium voltage-gated channel subfamily Q member 2; minus strand). Cytogenetic location: 20q13.33.
Variant type: single nucleotide variant.
Coding change: c.795G>A on transcript NM_172107.4 (MANE Select); coding-DNA position 795, G replaced by A.
Protein change: p.Ala265=; no amino-acid change (alanine 265 retained).
Molecular consequence: synonymous variant.
Genome position (GRCh38, 1-based): chr20:63,442,427, C>T on the plus strand (G>A on the coding strand, the complement: KCNQ2 is on the minus strand). VCF-style: chr20-63442427-C-T. GRCh37 (hg19) VCF-style: chr20-62073780-C-T.
Other names: c.795G>A, p.Ala265= (NM_004518.6, NM_172106.3, NM_172108.5 and 1 more transcripts); c.795G>A (NM_172107.3).
Identifiers: ClinVar variation 129336 (VCV000129336.27), dbSNP rs148654588, ClinGen allele CA231199.